The following is an entry in ClinVar:

NM_020312.4(COQ9):c.74-13G>A

Gene: COQ9 (coenzyme Q9; plus strand). Cytogenetic location: 16q21.
Variant type: single nucleotide variant.
Coding change: c.74-13G>A on transcript NM_020312.4 (MANE Select); 13 bases into the intron before coding-DNA position 74, G replaced by A.
Molecular consequence: intron variant.
Genome position (GRCh38, 1-based): chr16:57,451,027, G>A. VCF-style: chr16-57451027-G-A. GRCh37 (hg19) VCF-style: chr16-57484939-G-A.
Identifiers: ClinVar variation 136992 (VCV000136992.13), dbSNP rs181356497, ClinGen allele CA290451.

ClinVar aggregate classification (germline): Conflicting classifications of pathogenicity. Review status: criteria provided, conflicting classifications (1 of 4 stars). 4 submissions from 4 submitters: Uncertain significance (1); Benign (2); Likely benign (1). Last evaluated 2026-01-26.

Conditions:
Encephalopathy-hypertrophic cardiomyopathy-renal tubular disease syndrome. Identifiers: Orphanet 319678, MedGen C3553374, MONDO:0013840, OMIM 614654.

Allele frequency attached by ClinVar (database versions not stated): 1000 Genomes Project 0.00040; 1000 Genomes Project 30x 0.00062; gnomAD 0.00133 and 0.00140; TOPMed 0.00143; gnomAD exomes 0.00157 and 0.00231; ExAC 0.00172; ESP Exome Variant Server 0.00208.
gnomAD v4.1: 3,572 of 1,613,666 alleles (0.22%); highest among the groups gnomAD compares: Non-Finnish European, 0.28%; 8 homozygotes.

Submissions (4):

Labcorp Genetics (formerly Invitae), Labcorp
Classification: Benign. Last evaluated: 2026-01-26. Review status: criteria provided, single submitter. Criteria: Invitae Variant Classification Sherloc (09022015). Collection method: clinical testing. Allele origin: germline.

Blueprint Genetics
Classification: Likely benign. Last evaluated: 2024-11-11. Review status: criteria provided, single submitter. Criteria: ACMG Guidelines, 2015. Collection method: clinical testing. Allele origin: germline.

Illumina Laboratory Services, Illumina
Classification: Uncertain significance for Encephalopathy-hypertrophic cardiomyopathy-renal tubular disease syndrome. Last evaluated: 2018-01-13. Review status: criteria provided, single submitter. Criteria: ICSL Variant Classification Criteria 13 December 2019. Collection method: clinical testing. Allele origin: germline.

GeneDx
Classification: Benign. Last evaluated: 2013-07-31. Review status: criteria provided, single submitter. Criteria: GeneDx Variant Classification (06012015). Collection method: clinical testing. Allele origin: germline. Affected: yes.
Comment: This variant is considered likely benign or benign based on one or more of the following criteria: it is a conservative change, it occurs at a poorly conserved position in the protein, it is predicted to be benign by multiple in silico algorithms, and/or has population frequency not consistent with disease.